The following is an entry in ClinVar:

NM_198239.2(CCN6):c.109G>T (p.Glu37Ter)

Gene: CCN6 (cellular communication network factor 6; plus strand). Cytogenetic location: 6q21.
Variant type: single nucleotide variant.
Coding change: c.109G>T on transcript NM_198239.2 (MANE Select); coding-DNA position 109, G replaced by T.
Protein change: p.Glu37Ter; replaces glutamic acid 37 with a stop codon.
Molecular consequence: nonsense. On other transcripts: non-coding transcript variant (2).
Genome position (GRCh38, 1-based): chr6:112,061,051, G>T. VCF-style: chr6-112061051-G-T. GRCh37 (hg19) VCF-style: chr6-112382254-G-T.
Other names: c.109G>T, p.Glu37Ter (NM_003880.4); short protein forms E37*.
Identifiers: ClinVar variation 3678846 (VCV003678846.2).

ClinVar aggregate classification (germline): Pathogenic (1 of 4 stars; one submission).

gnomAD v4.1: 1 of 1,614,188 alleles (0.000062%); highest among the groups gnomAD compares: Non-Finnish European, 0.000085%; no homozygotes.

Submission:

Labcorp Genetics (formerly Invitae), Labcorp
Classification: Pathogenic. Last evaluated: 2024-01-29. Review status: criteria provided, single submitter. Criteria: Invitae Variant Classification Sherloc (09022015). Collection method: clinical testing. Allele origin: germline.
Comment: This sequence change creates a premature translational stop signal (p.Glu37*) in the WISP3 gene. It is expected to result in an absent or disrupted protein product. Loss-of-function variants in WISP3 are known to be pathogenic (PMID: 22791401). This variant is not present in population databases (gnomAD no frequency). This variant has not been reported in the literature in individuals affected with WISP3-related conditions. For these reasons, this variant has been classified as Pathogenic.

Literature cited by the submitters: PubMed 22791401.